The following is an entry in ClinVar:

ClinVar aggregate classification (germline): Uncertain significance. Review status: criteria provided, multiple submitters, no conflicts (2 of 4 stars). 2 submissions from 2 submitters: Uncertain significance (2). Last evaluated 2025-09-22.

Conditions:
Cardiomyopathy (CMYO). Also called: Cardiomyopathies. Identifiers: Orphanet 167848, MedGen C0878544, MONDO:0004994, HP:0001638. Inheritance: Various modes of inheritance.
Catecholaminergic polymorphic ventricular tachycardia 1. Also called: VENTRICULAR TACHYCARDIA, STRESS-INDUCED POLYMORPHIC 1; VENTRICULAR TACHYCARDIA, CATECHOLAMINERGIC POLYMORPHIC, 1, WITH OR WITHOUT ATRIAL DYSFUNCTION AND/OR DILATED CARDIOMYOPATHY; RYR2-Related Catecholaminergic Polymorphic Ventricular Tachycardia. Identifiers: Orphanet 3286, MedGen C1631597, MONDO:0011484, OMIM 604772.

Submissions (2):

Color Diagnostics, LLC DBA Color Health
Classification: Uncertain significance for Cardiomyopathy. Last evaluated: 2025-09-22. Review status: criteria provided, single submitter. Criteria: ACMG Guidelines, 2015. Collection method: clinical testing. Allele origin: germline.
Comment: This missense variant replaces isoleucine with valine at codon 952 of the RYR2 protein. Computational prediction suggests that this variant may not impact protein structure and function. To our knowledge, functional studies have not been reported for this variant. This variant has not been reported in individuals affected with RYR2-related disorders in the literature. This variant has not been identified in the general population by the Genome Aggregation Database (gnomAD). The available evidence is insufficient to determine the role of this variant in disease conclusively. Therefore, this variant is classified as a Variant of Uncertain Significance.

Labcorp Genetics (formerly Invitae), Labcorp
Classification: Uncertain significance for Catecholaminergic polymorphic ventricular tachycardia 1. Last evaluated: 2023-04-24. Review status: criteria provided, single submitter. Criteria: Invitae Variant Classification Sherloc (09022015). Collection method: clinical testing. Allele origin: germline.
Comment: This sequence change replaces isoleucine, which is neutral and non-polar, with valine, which is neutral and non-polar, at codon 952 of the RYR2 protein (p.Ile952Val). This variant is not present in population databases (gnomAD no frequency). In summary, the available evidence is currently insufficient to determine the role of this variant in disease. Therefore, it has been classified as a Variant of Uncertain Significance. Advanced modeling of protein sequence and biophysical properties (such as structural, functional, and spatial information, amino acid conservation, physicochemical variation, residue mobility, and thermodynamic stability) performed at Invitae indicates that this missense variant is not expected to disrupt RYR2 protein function. ClinVar contains an entry for this variant (Variation ID: 1018544). This variant has not been reported in the literature in individuals affected with RYR2-related conditions.

NM_001035.3(RYR2):c.2854A>G (p.Ile952Val)

Gene: RYR2 (ryanodine receptor 2; plus strand). Cytogenetic location: 1q43.
Variant type: single nucleotide variant.
Coding change: c.2854A>G on transcript NM_001035.3 (MANE Select); coding-DNA position 2854, A replaced by G.
Protein change: p.Ile952Val; replaces isoleucine 952 with valine.
Molecular consequence: missense variant.
Genome position (GRCh38, 1-based): chr1:237,530,458, A>G. VCF-style: chr1-237530458-A-G. GRCh37 (hg19) VCF-style: chr1-237693758-A-G.
Other names: short protein forms I952V.
Identifiers: ClinVar variation 1018544 (VCV001018544.47), dbSNP rs1668033659, ClinGen allele CA345387994.
Genomic context (GRCh38, chr1:237,530,458, plus strand): 5'-TCACACTTATCTCTGGTTTTGTTTTCCAGGACTTTGTTGGCATTAGGATGTCATGTGGGT[A>G]TATCAGATGAACATGCTGAAGACAAGGTGAAAAAAATGAAGCTACCCAAGAAGTAAGTTG-3'
Protein context (NP_001026.2, residues 942-962): TLLALGCHVG[Ile952Val]SDEHAEDKVK